The following is an entry in ClinVar:

ClinVar aggregate classification (germline): Pathogenic (1 of 4 stars; one submission).

Submission:

ISCA Site 6
Classification: Pathogenic. Last evaluated: 2011-08-12. Review status: criteria provided, single submitter. Criteria: Kaminsky et al. (Genet Med. 2011). Collection method: clinical testing. Allele origin: unknown. Affected: yes. Observed: 1 variant allele.
Comment: Copy number variation identified through the course of routine clinical cytogenomic testing in postnatal populations. Clinical assertions have been curated as described in Kaminsky et al. 2011.

GRCh38/hg38 22q11.22-11.23(chr22:22703701-23285204)x1

Genes: BCR (BCR activator of RhoGEF and GTPase; plus strand), GNAZ (G protein subunit alpha z; plus strand), IGL (immunoglobulin lambda locus; plus strand), IGLC1 (immunoglobulin lambda constant 1; plus strand), IGLC2 (immunoglobulin lambda constant 2; plus strand) and 70 more. Cytogenetic location: 22q11.22-11.23.
Variant type: copy number loss.
Change: copy number 1 (one copy instead of two) of chr22:22,703,701-23,285,204 (581.5 kb, GRCh38 coordinates, 1-based), cytogenetic band 22q11.22-11.23.
Identifiers: ClinVar variation 59287 (VCV000059287.2).